The following is an entry in ClinVar:

NM_001040108.2(MLH3):c.2905C>T (p.Pro969Ser)

Gene: MLH3 (mutL homolog 3; minus strand). Cytogenetic location: 14q24.3.
Variant type: single nucleotide variant.
Coding change: c.2905C>T on transcript NM_001040108.2 (MANE Select); coding-DNA position 2905, C replaced by T.
Protein change: p.Pro969Ser; replaces proline 969 with serine.
Molecular consequence: missense variant.
Genome position (GRCh38, 1-based): chr14:75,046,751, G>A on the plus strand (C>T on the coding strand, the complement: MLH3 is on the minus strand). VCF-style: chr14-75046751-G-A. GRCh37 (hg19) VCF-style: chr14-75513454-G-A.
Other names: c.2905C>T, p.Pro969Ser (NM_014381.3); short protein forms P969S.
Identifiers: ClinVar variation 1427740 (VCV001427740.14), dbSNP rs759555217, ClinGen allele CA7275620.

ClinVar aggregate classification (germline): Uncertain significance. Review status: criteria provided, multiple submitters, no conflicts (2 of 4 stars). 5 submissions from 5 submitters: Uncertain significance (5). Last evaluated 2025-12-29.

Conditions:
Colorectal cancer, hereditary nonpolyposis, type 7. Identifiers: Orphanet 144, MedGen C1858380, MONDO:0013725, OMIM 614385.
Endometrial carcinoma. Also called: Endometrial carcinoma, somatic. Identifiers: MedGen C0476089, MONDO:0002447, OMIM 608089, HP:0012114.
Colorectal cancer. Also called: Malignant Colorectal Neoplasm; Colorectal cancer, somatic. Identifiers: MedGen C0346629, MONDO:0005575, OMIM 114500.

Allele frequency attached by ClinVar (database versions not stated): gnomAD 0.00001; gnomAD exomes 0.00001 and 0.00002; ExAC 0.00002; TOPMed 0.00002.
gnomAD v4.1: 9 of 1,614,034 alleles (0.00056%); highest among the groups gnomAD compares: Middle Eastern, 0.016%; no homozygotes.

Submissions (5):

Center for Genomic Medicine, Rigshospitalet, Copenhagen University Hospital
Classification: Uncertain significance. Last evaluated: 2025-12-29. Review status: criteria provided, single submitter. Criteria: ACMG Guidelines, 2015. Collection method: clinical testing. Allele origin: germline.

Ambry Genetics
Classification: Uncertain significance. Last evaluated: 2025-06-22. Review status: criteria provided, single submitter. Criteria: Ambry Variant Classification Scheme 2023. Collection method: clinical testing. Allele origin: germline.
Comment: The p.P969S variant (also known as c.2905C>T), located in coding exon 1 of the MLH3 gene, results from a C to T substitution at nucleotide position 2905. The proline at codon 969 is replaced by serine, an amino acid with similar properties. This amino acid position is poorly conserved in available vertebrate species. In addition, this alteration is predicted to be tolerated by in silico analysis. Since supporting evidence is limited at this time, the clinical significance of this alteration remains unclear.

Labcorp Genetics (formerly Invitae), Labcorp
Classification: Uncertain significance for Colorectal cancer, hereditary nonpolyposis, type 7. Last evaluated: 2025-05-07. Review status: criteria provided, single submitter. Criteria: Invitae Variant Classification Sherloc (09022015). Collection method: clinical testing. Allele origin: germline.
Comment: This sequence change replaces proline, which is neutral and non-polar, with serine, which is neutral and polar, at codon 969 of the MLH3 protein (p.Pro969Ser). This variant is present in population databases (rs759555217, gnomAD 0.01%). This variant has not been reported in the literature in individuals affected with MLH3-related conditions. ClinVar contains an entry for this variant (Variation ID: 1427740). An algorithm developed to predict the effect of missense changes on protein structure and function outputs the following: PolyPhen-2: "Benign". The serine amino acid residue is found in multiple mammalian species, which suggests that this missense change does not adversely affect protein function. In summary, the available evidence is currently insufficient to determine the role of this variant in disease. Therefore, it has been classified as a Variant of Uncertain Significance.

Department of Pathology and Laboratory Medicine, Sinai Health System
Classification: Uncertain significance for Colorectal cancer; Endometrial carcinoma; Colorectal cancer, hereditary nonpolyposis, type 7. Last evaluated: 2024-12-31. Review status: criteria provided, single submitter. Criteria: ACMG Guidelines, 2015. Collection method: clinical testing. Allele origin: germline.

Fulgent Genetics
Classification: Uncertain significance for Colorectal cancer; Endometrial carcinoma; Colorectal cancer, hereditary nonpolyposis, type 7. Last evaluated: 2024-02-01. Review status: criteria provided, single submitter. Criteria: ACMG Guidelines, 2015. Collection method: clinical testing. Allele origin: germline.